The following is an entry in ClinVar:

NM_000245.4(MET):c.1528-8C>T

Gene: MET (MET proto-oncogene, receptor tyrosine kinase; plus strand). Cytogenetic location: 7q31.2.
Variant type: single nucleotide variant.
Coding change: c.1528-8C>T on transcript NM_000245.4 (MANE Select); 8 bases into the intron before coding-DNA position 1528, C replaced by T.
Molecular consequence: intron variant.
Genome position (GRCh38, 1-based): chr7:116,740,844, C>T. VCF-style: chr7-116740844-C-T. GRCh37 (hg19) VCF-style: chr7-116380898-C-T.
Other names: c.1528-8C>T (NM_001127500.3, NM_001324401.3); c.238-8C>T (NM_001324402.2).
Identifiers: ClinVar variation 1982123 (VCV001982123.5), dbSNP rs1793417127, ClinGen allele CA1737028029.
Genomic context (GRCh38, chr7:116,740,844, plus strand): 5'-CTTACTTTATAATTAATTAACAAACTAGATACCCCTCTGGAAGCTCTTTCCACCCCTTCT[C>T]TTCACAGATCACGAAGATCCCATTGAATGGCTTGGGCTGCAGACATTTCCAGTCCTGCAG-3'

ClinVar aggregate classification (germline): Likely benign. Review status: criteria provided, multiple submitters, no conflicts (2 of 4 stars). 2 submissions from 2 submitters: Likely benign (2). Last evaluated 2024-11-07.

Conditions:
Renal cell carcinoma. Identifiers: Orphanet 217071, MedGen C0007134, MeSH D002292, MONDO:0005086, HP:0005584.
Papillary renal cell carcinoma type 1 (RCCP1). Also called: Renal adenocarcinoma; Renal cell carcinoma 1; Renal cell carcinoma, somatic; RENAL CELL CARCINOMA, PAPILLARY, 1, SOMATIC. Identifiers: Orphanet 47044, MedGen C1336839, OMIM 605074, HP:0011797.

Allele frequency attached by ClinVar (database versions not stated): TOPMed below 0.00001.

Submissions (2):

Myriad Genetics, Inc.
Classification: Likely benign for Papillary renal cell carcinoma type 1. Last evaluated: 2024-11-07. Review status: criteria provided, single submitter. Criteria: Myriad Autosomal Dominant, Autosomal Recessive and X-Linked Classification Criteria (2023). Collection method: clinical testing. Allele origin: unknown.
Comment: This variant is considered likely benign. This variant is intronic and is not expected to impact mRNA splicing.

Labcorp Genetics (formerly Invitae), Labcorp
Classification: Likely benign for Renal cell carcinoma. Last evaluated: 2023-07-21. Review status: criteria provided, single submitter. Criteria: Invitae Variant Classification Sherloc (09022015). Collection method: clinical testing. Allele origin: germline.